The following is an entry in ClinVar:

NM_012330.4(KAT6B):c.3664+4_3664+7del

Gene: KAT6B (lysine acetyltransferase 6B; plus strand). Cytogenetic location: 10q22.2.
Variant type: Microsatellite.
Coding change: c.3664+4_3664+7del on transcript NM_012330.4 (MANE Select); bases 4 to 7 of the intron after coding-DNA position 3664, 4 bases deleted (AGTA; older notation c.3664+4_3664+7delAGTA).
Molecular consequence: splice donor variant.
Genome position (GRCh38, 1-based): chr10:75,025,253-75,025,256, AGTA deleted; deleting any 4 consecutive bases within chr10:75,025,248-75,025,256 gives the same sequence; the c. name uses the placement nearest the transcript's 3' end. VCF-style (leftmost placement, unchanged base first): chr10-75025247-GAAGT-G. GRCh37 (hg19) VCF-style: chr10-76785005-GAAGT-G.
Other names: c.2788+4_2788+7del (NM_001370139.1, NM_001370140.1, NM_001370141.1 and 2 more transcripts); c.3664+4_3664+7del (NM_001370136.1, NM_001370137.1); c.3115+4_3115+7del (NM_001370138.1, NM_001256468.2); c.1975+4_1975+7del (NM_001370133.1); c.1579+4_1579+7del (NM_001370134.1); c.2599+4_2599+7del (NM_001370143.1, NM_001370144.1); c.2626+4_2626+7del (NM_001370132.1); c.1321+4_1321+7del (NM_001370135.1).
Identifiers: ClinVar variation 985198 (VCV000985198.4), dbSNP rs1845730108, ClinGen allele CA1920304231.
Genomic context (GRCh38, chr10:75,025,247, plus strand): 5'-GACAAACAGAGGAAGAGGAAGGAAAAGACAATCATTGCTTCAAGAATGCTGACCCTTGTA[GAAGT>G]AAGTAGAGGAATGATAAAAACCTTACCCTTGAGAATGTCTGTATCTGACTGGGTGCCAAA-3'

ClinVar aggregate classification (germline): Conflicting classifications of pathogenicity. Review status: criteria provided, conflicting classifications (1 of 4 stars). 2 submissions from 2 submitters: Likely pathogenic (1); Uncertain significance (1). Last evaluated 2024-10-23.

Conditions:
Inborn genetic diseases. Identifiers: MedGen C0950123, MeSH D030342.

Submissions (2):

ARUP Laboratories, Molecular Genetics and Genomics, ARUP Laboratories
Classification: Likely pathogenic. Last evaluated: 2024-10-23. Review status: criteria provided, single submitter. Criteria: ARUP Molecular Germline Variant Investigation Process 2024. Collection method: clinical testing. Allele origin: germline.
Comment: The KAT6B c.3664+4_3664+7del variant (rs1845730108, ClinVar Variation ID: 985198) has been reported de novo in the literature in an individual with Say-Barber-Biesecker-Young-Simpson syndrome/genitopatellar syndrome (Hu 2020). This variant is absent from the Genome Aggregation Database (v2.1.1), indicating it is not a common polymorphism. This is an intronic variant and computational analyses (Alamut Visual Plus v.1.5.1) predict that this variant may impact splicing by weakening the nearby canonical donor splice site. Based on available information, this variant is considered to be likely pathogenic. References: Hu X et al. Parallel Tests of Whole Exome Sequencing and Copy Number Variant Sequencing Increase the Diagnosis Yields of Rare Pediatric Disorders. Front Genet. 2020 Jun 11;11:473. PMID: 32595695.

Ambry Genetics
Classification: Uncertain significance for Inborn genetic diseases. Last evaluated: 2019-10-16. Review status: criteria provided, single submitter. Criteria: Ambry exome assertion method (8-5-2015). Collection method: clinical testing. Allele origin: germline. Affected: yes. Observed: 1 variant allele.